The following continues an entry in ClinVar:

NM_000492.4(CFTR):c.3874-4522A>G

Gene: CFTR. ClinVar aggregate classification (germline): Conflicting classifications of pathogenicity. Pathogenic (9); Likely pathogenic (5); Uncertain significance (1).

Submissions 10 to 16 of 16:

Ambry Genetics
Classification: Likely pathogenic for Cystic fibrosis. Last evaluated: 2022-09-13. Review status: criteria provided, single submitter. Criteria: Ambry Variant Classification Scheme 2023. Collection method: clinical testing. Allele origin: germline.
Comment: The c.3874-4522A>G intronic variant (also known as c.4005+5727A>G) results from an A to G substitution 4522 nucleotides before coding exon 24 in the CFTR gene. This variant is considered to be rare based on population cohorts in the Genome Aggregation Database (gnomAD). This variant has been detected in trans with a pathogenic CFTR mutation in an individual with classic cystic fibrosis (CF), and it has been observed in individuals with CFTR-related disorders, some of whom have other CFTR variants of undetermined phase (Bergougnoux A et al. J Cyst Fibros, 2019 07;18:468-475; Roth EK et al. PLoS One, 2011 Aug;6:e24445). One experimental study shows that this variant disrupts mRNA splicing; however, the variant's effect on splicing is incomplete (Bergougnoux A et al. J Cyst Fibros, 2019 07;18:468-475) This nucleotide position is not well conserved in available vertebrate species. Based on the majority of available evidence to date, this variant is likely to be pathogenic.

Johns Hopkins Genomics, Johns Hopkins University
Classification: Pathogenic for Cystic fibrosis. Last evaluated: 2022-07-23. Review status: criteria provided, single submitter. Criteria: ACMG Guidelines, 2015. Collection method: clinical testing. Allele origin: germline.
Comment: CFTR c.3874-4522A>G has been identified in multiple individuals with features of cystic fibrosis including one who has a known CF-causing variant on the opposite chromosome. This CFTR variant has been reported in ClinVar (Variation ID: 500071), but is absent from a large population dataset. Functional studies demonstrate that this deep intronic variant creates a cryptic splice site that leads to aberrant splicing. We consider CFTR c.3874-4522A>G to be pathogenic.

Quest Diagnostics Nichols Institute San Juan Capistrano
Classification: Pathogenic. Last evaluated: 2022-04-19. Review status: criteria provided, single submitter. Criteria: Quest Diagnostics criteria. Collection method: clinical testing. Allele origin: unknown.
Comment: The frequency of this variant in the general population, 0.000024 (1/41384 chromosomes), is consistent with pathogenicity. In the published literature, the variant has been reported to co-occur with other pathogenic CFTR variants and has been associated with various phenotypes including male infertility and cystic fibrosis with pancreatic insufficiency (PMID: 30389601 (2019), 21909392 (2011), CFTR-France). In addition, a splicing analysis performed using cells taken from multiple individuals with cystic fibrosis has found that this variant results in aberrant splicing (PMID: 30389601 (2019)). Based on the available information, this variant is classified as pathogenic.

CeGaT Center for Human Genetics Tuebingen
Classification: Pathogenic. Last evaluated: 2021-12-01. Review status: criteria provided, single submitter. Criteria: CeGaT Center For Human Genetics Tuebingen Variant Classification Criteria Version 2. Collection method: clinical testing. Allele origin: germline. Affected: yes. Observed: 1 variant allele.

CFTR-France
Classification: Pathogenic for cystic fibrosis; CFTR-related disorders. Last evaluated: 2018-01-29. Review status: criteria provided, single submitter. Criteria: Claustres M et al. (Hum Mutat 2017). Collection method: curation. Allele origin: germline. Affected: yes.
Comment: when the variant is in trans with another CF-causing variation, can either result in CF or in a CFTR-RD

Eurofins Ntd Llc (ga)
Classification: Uncertain significance. Last evaluated: 2017-01-23. Review status: criteria provided, single submitter. Criteria: EGL Classification Definitions 2015. Collection method: clinical testing. Allele origin: germline. Observed: 1 variant allele, 1 heterozygote.

Counsyl
Classification: Uncertain significance for Cystic fibrosis. Last evaluated: 2017-02-28. Review status: no assertion criteria provided. Collection method: clinical testing. Allele origin: unknown. Not counted in ClinVar's aggregate classification.

Literature cited by the submitters: PubMed 30389601 (cited by 6 submitters); PubMed 21909392 (cited by 5 submitters); PubMed 32017858 (cited by Women's Health and Genetics/Laboratory Corporation of America, LabCorp and Johns Hopkins Genomics, Johns Hopkins University); PubMed 33020115 (cited by Johns Hopkins Genomics, Johns Hopkins University); PubMed 25569440 (cited by Counsyl).